The following is an entry in ClinVar:

NM_138694.4(PKHD1):c.7430T>G (p.Phe2477Cys)

Gene: PKHD1 (PKHD1 ciliary IPT domain containing fibrocystin/polyductin; minus strand). Cytogenetic location: 6p12.2.
Variant type: single nucleotide variant.
Coding change: c.7430T>G on transcript NM_138694.4 (MANE Select); coding-DNA position 7430, T replaced by G.
Protein change: p.Phe2477Cys; replaces phenylalanine 2477 with cysteine.
Molecular consequence: missense variant.
Genome position (GRCh38, 1-based): chr6:51,870,560, A>C on the plus strand (T>G on the coding strand, the complement: PKHD1 is on the minus strand). VCF-style: chr6-51870560-A-C. GRCh37 (hg19) VCF-style: chr6-51735358-A-C.
Other names: c.7430T>G, p.Phe2477Cys (NM_170724.3); short protein forms F2477C.
Identifiers: ClinVar variation 528290 (VCV000528290.16), dbSNP rs1366295189, ClinGen allele CA364419539.

ClinVar aggregate classification (germline): Conflicting classifications of pathogenicity. Review status: criteria provided, conflicting classifications (1 of 4 stars). 5 submissions from 5 submitters: Likely pathogenic (2); Uncertain significance (2). 1 of the submissions does not count toward it. Last evaluated 2024-08-12.

Conditions:
Polycystic kidney disease 4 (PKD4). Also called: Autosomal Recessive Polycystic Kidney Disease – PKHD1; PKD3; POLYCYSTIC KIDNEY AND HEPATIC DISEASE 1; POLYCYSTIC KIDNEY DISEASE, INFANTILE, TYPE I; POLYCYSTIC KIDNEY DISEASE 4 WITH OR WITHOUT POLYCYSTIC LIVER DISEASE. Identifiers: MedGen C4540575, MONDO:0033004, OMIM 263200.
Autosomal recessive polycystic kidney disease (ARPKD). Also called: AR polycystic kidney disease. Identifiers: Orphanet 731, Orphanet 8378, MedGen C0085548, MeSH D017044, MONDO:0009889.

Allele frequency attached by ClinVar (database versions not stated): gnomAD exomes 0.00001 and 0.00002; gnomAD 0.00003; TOPMed 0.00003.
gnomAD v4.1: 13 of 1,611,706 alleles (0.00081%); highest among the groups gnomAD compares: Non-Finnish European, 0.0011%; no homozygotes.

Submissions (5):

Labcorp Genetics (formerly Invitae), Labcorp
Classification: Likely pathogenic for Autosomal recessive polycystic kidney disease. Last evaluated: 2024-08-12. Review status: criteria provided, single submitter. Criteria: Invitae Variant Classification Sherloc (09022015). Collection method: clinical testing. Allele origin: germline.
Comment: This sequence change replaces phenylalanine, which is neutral and non-polar, with cysteine, which is neutral and slightly polar, at codon 2477 of the PKHD1 protein (p.Phe2477Cys). This variant is present in population databases (no rsID available, gnomAD 0.002%). This missense change has been observed in individual(s) with polycystic kidney disease (PMID: 33940108). In at least one individual the data is consistent with being in trans (on the opposite chromosome) from a pathogenic variant. ClinVar contains an entry for this variant (Variation ID: 528290). Advanced modeling of protein sequence and biophysical properties (such as structural, functional, and spatial information, amino acid conservation, physicochemical variation, residue mobility, and thermodynamic stability) performed at Invitae indicates that this missense variant is expected to disrupt PKHD1 protein function with a positive predictive value of 95%. In summary, the currently available evidence indicates that the variant is pathogenic, but additional data are needed to prove that conclusively. Therefore, this variant has been classified as Likely Pathogenic.

Fulgent Genetics
Classification: Likely pathogenic for Polycystic kidney disease 4. Last evaluated: 2024-04-15. Review status: criteria provided, single submitter. Criteria: ACMG Guidelines, 2015. Collection method: clinical testing. Allele origin: germline.

GeneDx
Classification: Uncertain significance. Last evaluated: 2022-09-28. Review status: criteria provided, single submitter. Criteria: GeneDx Variant Classification Process June 2021. Collection method: clinical testing. Allele origin: germline. Affected: yes.
Comment: Not observed at significant frequency in large population cohorts (gnomAD); In silico analysis supports that this missense variant has a deleterious effect on protein structure/function; This variant is associated with the following publications: (PMID: 33940108)

Eurofins Ntd Llc (ga)
Classification: Uncertain significance. Last evaluated: 2018-01-26. Review status: criteria provided, single submitter. Criteria: EGL Classification Definitions 2015. Collection method: clinical testing. Allele origin: germline. Observed: 1 variant allele, 1 heterozygote.

Natera, Inc.
Classification: Uncertain significance for Autosomal recessive polycystic kidney disease. Last evaluated: 2018-09-14. Review status: no assertion criteria provided. Collection method: clinical testing. Allele origin: germline. Not counted in ClinVar's aggregate classification.

Literature cited by the submitters: PubMed 33940108 (cited by Labcorp Genetics (formerly Invitae), Labcorp).